The following is an entry in ClinVar:

ClinVar aggregate classification (germline): Likely pathogenic. Review status: criteria provided, multiple submitters, no conflicts (2 of 4 stars). 3 submissions from 3 submitters: Likely pathogenic (3). Last evaluated 2026-06-17.

Conditions:
Infantile onset spinocerebellar ataxia (MTDPS7). Also called: OHAHA SYNDROME; SPINOCEREBELLAR ATAXIA, INFANTILE, WITH SENSORY NEUROPATHY; Mitochondrial DNA depletion syndrome 7 (hepatocerebral type); OPHTHALMOPLEGIA, HYPOTONIA, ATAXIA, HYPOACUSIS, AND ATHETOSIS. Identifiers: Orphanet 1186, MedGen C1849096, MONDO:0010060, OMIM 271245.
Mitochondrial disease. Also called: Mitochondrial disorder; Mitochondrial disorders. Identifiers: Orphanet 68380, MedGen C0751651, MeSH D028361, MONDO:0044970.

Submissions (3):

Victorian Clinical Genetics Services, Murdoch Childrens Research Institute
Classification: Likely pathogenic for Infantile onset spinocerebellar ataxia. Last evaluated: 2026-06-17. Review status: criteria provided, single submitter. Criteria: ACMG Guidelines, 2015. Collection method: clinical testing. Allele origin: germline. Affected: no.
Comment: This variant is classified as Likely pathogenic. Evidence in support of pathogenic classification: Variant is present in gnomAD <0.01 (v4: 1 heterozygote(s), 0 homozygote(s)); This variant has moderate previous evidence of pathogenicity in unrelated individuals. This variant has been classified as likely pathogenic in ClinVar. It has also been observed in two unrelated homozygous individuals with TWNK-related symptoms (PMID: 20818383, 27391121); Another missense variant comparable to the one identified in this case has limited previous evidence for pathogenicity. p.(Arg400Leu) has been classified as likely pathogenic in ClinVar and has been observed in four unrelated individuals with TWNK-related symptoms (PMID: 33486010). In addition, p.(Arg400His) has been classified as a VUS in ClinVar; Missense variant predicted to be damaging by in silico tool(s) or highly conserved with a major amino acid change. Additional information: Variant is predicted to result in a missense amino acid change from Arg to Cys; This variant is heterozygous; This gene is associated with both recessive and dominant disease. Mitochondrial DNA depletion syndrome 7 (hepatocerebral type) (MIM#271245) and Perrault syndrome 5 (MIM#616138) are inherited in a recessive manner, whereas progressive external ophthalmoplegia with mitochondrial DNA deletions 3 (MIM#609286) is a dominant condition (OMIM); Alternative amino acid change(s) at the same position are present in gnomAD (highest allele count (v4): 7 heterozygote(s), 0 homozygote(s)); No published functional evidence has been identified for this variant; Variant is located in the annotated AAA domain (DECIPHER); Dominant negative and loss of function are known mechanisms of disease in this gene and are associated with progressive external ophthalmoplegia with mitochondrial DNA deletions 3 (MIM#609286), mitochondrial DNA depletion syndrome 7 (hepatocerebral type) (MIM#271245) and Perrault syndrome 5 (MIM#616138) (PMID: 18971204).

Labcorp Genetics (formerly Invitae), Labcorp
Classification: Likely pathogenic. Last evaluated: 2024-10-22. Review status: criteria provided, single submitter. Criteria: Invitae Variant Classification Sherloc (09022015). Collection method: clinical testing. Allele origin: germline.
Comment: This sequence change replaces arginine, which is basic and polar, with cysteine, which is neutral and slightly polar, at codon 400 of the TWNK protein (p.Arg400Cys). This variant is not present in population databases (gnomAD no frequency). This missense change has been observed in individual(s) with TWNK-related conditions (PMID: 20818383). ClinVar contains an entry for this variant (Variation ID: 2136925). Invitae Evidence Modeling of protein sequence and biophysical properties (such as structural, functional, and spatial information, amino acid conservation, physicochemical variation, residue mobility, and thermodynamic stability) indicates that this missense variant is expected to disrupt TWNK protein function with a positive predictive value of 95%. This variant disrupts the p.Arg400 amino acid residue in TWNK. Other variant(s) that disrupt this residue have been determined to be pathogenic (PMID: 33486010). This suggests that this residue is clinically significant, and that variants that disrupt this residue are likely to be disease-causing. In summary, the currently available evidence indicates that the variant is pathogenic, but additional data are needed to prove that conclusively. Therefore, this variant has been classified as Likely Pathogenic.

Illumina Laboratory Services, Illumina
Classification: Likely pathogenic for Mitochondrial disease. Last evaluated: 2023-06-23. Review status: criteria provided, single submitter. Criteria: ICSLVariantClassificationCriteria RUGD 01 April 2020. Collection method: clinical testing. Allele origin: unknown.
Comment: The TWNK c.1198C>T (p.Arg400Cys) missense variant has been reported in the homozygous state in one individual with a phenotype consistent with primary mitochondrial disease (PMID: 20818383). Additionally, a different amino acid substitution at the same codon (p.Arg400Leu) has been reported in the compound heterozygous state in four individuals with PMD (PMID: 33486010; ClinVar ID: 682349). This variant is not observed in version 2.1.1 or version 3.1.2 of the Genome Aggregation Database. Multiple lines of computational evidence suggest the variant may impact the gene or gene product. The c.1198C>T variant was detected in trans with a likely pathogenic variant. Based on the available evidence, the c.1198C>T (p.Arg400Cys) variant in classified as likely pathogenic for primary mitochondrial disease.

Literature cited by the submitters: PubMed 33486010 (cited by Victorian Clinical Genetics Services, Murdoch Childrens Research Institute and Labcorp Genetics (formerly Invitae), Labcorp); PubMed 18971204 (cited by Victorian Clinical Genetics Services, Murdoch Childrens Research Institute); PubMed 20818383 (cited by Victorian Clinical Genetics Services, Murdoch Childrens Research Institute and Labcorp Genetics (formerly Invitae), Labcorp); PubMed 27391121 (cited by Victorian Clinical Genetics Services, Murdoch Childrens Research Institute).

NM_021830.5(TWNK):c.1198C>T (p.Arg400Cys)

Gene: TWNK (twinkle mtDNA helicase; plus strand). Cytogenetic location: 10q24.31.
Variant type: single nucleotide variant.
Coding change: c.1198C>T on transcript NM_021830.5 (MANE Select); coding-DNA position 1198, C replaced by T.
Protein change: p.Arg400Cys; replaces arginine 400 with cysteine.
Molecular consequence: missense variant. On other transcripts: non-coding transcript variant (4), intron variant (3).
Genome position (GRCh38, 1-based): chr10:100,989,408, C>T. VCF-style: chr10-100989408-C-T. GRCh37 (hg19) VCF-style: chr10-102749165-C-T.
Other names: c.1198C>T, p.Arg400Cys (NM_001163812.2); c.-119-236C>T (NM_001163814.2, NM_001163813.2); c.-57-298C>T (NM_001368275.1); short protein forms R400C.
Identifiers: ClinVar variation 2136925 (VCV002136925.6), dbSNP rs757068910, ClinGen allele CA212963294.